The following is an entry in ClinVar:

ClinVar aggregate classification (germline): Uncertain significance (1 of 4 stars; one submission).

Conditions:
Developmental and epileptic encephalopathy. Identifiers: MedGen C5779964, MONDO:0100620.

gnomAD v4.1: 4 of 842,902 alleles (0.00047%); highest among the groups gnomAD compares: Non-Finnish European, 0.00046%; no homozygotes.

Submission:

Labcorp Genetics (formerly Invitae), Labcorp
Classification: Uncertain significance for Early-infantile DEE. Last evaluated: 2024-02-19. Review status: criteria provided, single submitter. Criteria: Invitae Variant Classification Sherloc (09022015). Collection method: clinical testing. Allele origin: germline.
Comment: This sequence change replaces glycine, which is neutral and non-polar, with arginine, which is basic and polar, at codon 39 of the CACNA2D2 protein (p.Gly39Arg). This variant is not present in population databases (gnomAD no frequency). This variant has not been reported in the literature in individuals affected with CACNA2D2-related conditions. ClinVar contains an entry for this variant (Variation ID: 1051695). Algorithms developed to predict the effect of missense changes on protein structure and function output the following: SIFT: "Not Available"; PolyPhen-2: "Not Available"; Align-GVGD: "Not Available". The arginine amino acid residue is found in multiple mammalian species, which suggests that this missense change does not adversely affect protein function. In summary, the available evidence is currently insufficient to determine the role of this variant in disease. Therefore, it has been classified as a Variant of Uncertain Significance.

NM_006030.4(CACNA2D2):c.115G>C (p.Gly39Arg)

Gene: CACNA2D2 (calcium voltage-gated channel auxiliary subunit alpha2delta 2; minus strand). Cytogenetic location: 3p21.31.
Variant type: single nucleotide variant.
Coding change: c.115G>C on transcript NM_006030.4 (MANE Select); coding-DNA position 115, G replaced by C.
Protein change: p.Gly39Arg; replaces glycine 39 with arginine.
Molecular consequence: missense variant. On other transcripts: intron variant (1).
Genome position (GRCh38, 1-based): chr3:50,503,309, C>G on the plus strand (G>C on the coding strand, the complement: CACNA2D2 is on the minus strand). VCF-style: chr3-50503309-C-G. GRCh37 (hg19) VCF-style: chr3-50540740-C-G.
Other names: c.115G>C, p.Gly39Arg (NM_001005505.3, NM_001174051.3); c.-2+760G>C (NM_001291101.1); short protein forms G39R.
Identifiers: ClinVar variation 1051695 (VCV001051695.5), dbSNP rs536869186, ClinGen allele CA74518941.